The following is an entry in ClinVar:

ClinVar aggregate classification (germline): Uncertain significance. Review status: criteria provided, multiple submitters, no conflicts (2 of 4 stars). 2 submissions from 2 submitters: Uncertain significance (2). Last evaluated 2025-06-03.

Conditions:
Inborn genetic diseases. Identifiers: MedGen C0950123, MeSH D030342.

Allele frequency attached by ClinVar (database versions not stated): 1000 Genomes Project 30x 0.00016; ESP Exome Variant Server 0.00033; gnomAD exomes 0.00001; ExAC 0.00013; 1000 Genomes Project 0.00020; gnomAD 0.00011; TOPMed 0.00014.
gnomAD v4.1: 30 of 1,598,082 alleles (0.0019%); highest among the groups gnomAD compares: African/African-American, 0.035%; no homozygotes.

Submissions (2):

Ambry Genetics
Classification: Uncertain significance for Inborn genetic diseases. Last evaluated: 2025-06-03. Review status: criteria provided, single submitter. Criteria: Ambry Variant Classification Scheme 2023. Collection method: clinical testing. Allele origin: germline.

Labcorp Genetics (formerly Invitae), Labcorp
Classification: Uncertain significance. Last evaluated: 2022-01-02. Review status: criteria provided, single submitter. Criteria: Invitae Variant Classification Sherloc (09022015). Collection method: clinical testing. Allele origin: germline.
Comment: This sequence change replaces arginine, which is basic and polar, with glutamine, which is neutral and polar, at codon 15 of the LTBP2 protein (p.Arg15Gln). This variant is present in population databases (rs367609768, gnomAD 0.08%). This variant has not been reported in the literature in individuals affected with LTBP2-related conditions. Algorithms developed to predict the effect of missense changes on protein structure and function output the following: SIFT: "Tolerated"; PolyPhen-2: "Benign"; Align-GVGD: "Class C0". The glutamine amino acid residue is found in multiple mammalian species, which suggests that this missense change does not adversely affect protein function. Algorithms developed to predict the effect of sequence changes on RNA splicing suggest that this variant may create or strengthen a splice site. In summary, the available evidence is currently insufficient to determine the role of this variant in disease. Therefore, it has been classified as a Variant of Uncertain Significance.

NM_000428.3(LTBP2):c.44G>A (p.Arg15Gln)

Gene: LTBP2 (latent transforming growth factor beta binding protein 2; minus strand). Cytogenetic location: 14q24.3.
Variant type: single nucleotide variant.
Coding change: c.44G>A on transcript NM_000428.3 (MANE Select); coding-DNA position 44, G replaced by A.
Protein change: p.Arg15Gln; replaces arginine 15 with glutamine.
Molecular consequence: missense variant.
Genome position (GRCh38, 1-based): chr14:74,611,901, C>T on the plus strand (G>A on the coding strand, the complement: LTBP2 is on the minus strand). VCF-style: chr14-74611901-C-T. GRCh37 (hg19) VCF-style: chr14-75078604-C-T.
Other names: c.44G>A (NM_000428.2); short protein forms R15Q.
Identifiers: ClinVar variation 2167816 (VCV002167816.2), dbSNP rs367609768, ClinGen allele CA7270274.